The following is an entry in ClinVar:

NM_014055.4(IFT81):c.385A>T (p.Ser129Cys)

Gene: IFT81 (intraflagellar transport 81; plus strand). Cytogenetic location: 12q24.11.
Variant type: single nucleotide variant.
Coding change: c.385A>T on transcript NM_014055.4 (MANE Select); coding-DNA position 385, A replaced by T.
Protein change: p.Ser129Cys; replaces serine 129 with cysteine.
Molecular consequence: missense variant. On other transcripts: 5 prime UTR variant (2), non-coding transcript variant (4).
Genome position (GRCh38, 1-based): chr12:110,129,086, A>T. VCF-style: chr12-110129086-A-T. GRCh37 (hg19) VCF-style: chr12-110566891-A-T.
Other names: c.385A>T, p.Ser129Cys (NM_001143779.2, NM_001347946.2, NM_031473.4); c.-382A>T (NM_001347947.2, NM_001347948.2); short protein forms S129C.
Identifiers: ClinVar variation 1440210 (VCV001440210.6), dbSNP rs2137296583, ClinGen allele CA386907754.

ClinVar aggregate classification (germline): Uncertain significance (1 of 4 stars; one submission).

Submission:

Labcorp Genetics (formerly Invitae), Labcorp
Classification: Uncertain significance. Last evaluated: 2022-03-02. Review status: criteria provided, single submitter. Criteria: Invitae Variant Classification Sherloc (09022015). Collection method: clinical testing. Allele origin: germline.
Comment: This sequence change replaces serine, which is neutral and polar, with cysteine, which is neutral and slightly polar, at codon 129 of the IFT81 protein (p.Ser129Cys). This variant is not present in population databases (gnomAD no frequency). This variant has not been reported in the literature in individuals affected with IFT81-related conditions. Algorithms developed to predict the effect of missense changes on protein structure and function (SIFT, PolyPhen-2, Align-GVGD) all suggest that this variant is likely to be tolerated. In summary, the available evidence is currently insufficient to determine the role of this variant in disease. Therefore, it has been classified as a Variant of Uncertain Significance.